The following is an entry in ClinVar:

ClinVar aggregate classification (germline): Conflicting classifications of pathogenicity. Review status: criteria provided, conflicting classifications (1 of 4 stars). 7 submissions from 7 submitters: Uncertain significance (5); Benign (1); Likely benign (1). Last evaluated 2026-01-20.

Conditions:
AXIN2-related disorder.
Hereditary cancer-predisposing syndrome. Also called: Neoplastic Syndromes, Hereditary; Hereditary neoplastic syndrome; Hereditary Cancer Syndrome; Tumor predisposition. Identifiers: Orphanet 140162, MedGen C0027672, MeSH D009386, MONDO:0015356.
Oligodontia-cancer predisposition syndrome. Also called: TOOTH AGENESIS-COLORECTAL CANCER SYNDROME. Identifiers: Orphanet 300576, MedGen C1837750, MONDO:0012075, OMIM 608615. Disease mechanism: loss of function.

Submissions (7):

Labcorp Genetics (formerly Invitae), Labcorp
Classification: Uncertain significance for Oligodontia-cancer predisposition syndrome. Last evaluated: 2026-01-20. Review status: criteria provided, single submitter. Criteria: Invitae Variant Classification Sherloc (09022015). Collection method: clinical testing. Allele origin: germline.
Comment: This sequence change replaces arginine, which is basic and polar, with proline, which is neutral and non-polar, at codon 671 of the AXIN2 protein (p.Arg671Pro). This variant is present in population databases (rs765845684, gnomAD 0.06%), and has an allele count higher than expected for a pathogenic variant. This missense change has been observed in individual(s) with colorectal cancer (PMID: 33359728). ClinVar contains an entry for this variant (Variation ID: 240006). An algorithm developed to predict the effect of missense changes on protein structure and function (PolyPhen-2) suggests that this variant is likely to be disruptive. In summary, the available evidence is currently insufficient to determine the role of this variant in disease. Therefore, it has been classified as a Variant of Uncertain Significance.

PreventionGenetics, part of Exact Sciences
Classification: Uncertain significance for AXIN2-related condition. Last evaluated: 2024-12-30. Review status: criteria provided, single submitter. Criteria: ACMG Guidelines, 2015. Collection method: clinical testing. Allele origin: germline.
Comment: The AXIN2 c.2012G>C variant is predicted to result in the amino acid substitution p.Arg671Pro. This variant has been reported in a patient with colorectal adenocarcinoma but it was not clear if other variants were also present (Dharwadkar et al. 2020. PubMed ID: 33359728). This variant is reported in 0.067% of alleles in individuals of Latino descent in gnomAD, which is higher than expected for a pathogenic variant. This variant has conflicting interpretations ranging from uncertain to benign in ClinVar. Although we suspect that this variant may be benign, at this time, the clinical significance of this variant is uncertain due to the absence of conclusive functional and genetic evidence.

Ambry Genetics
Classification: Benign for Hereditary cancer-predisposing syndrome. Last evaluated: 2024-04-23. Review status: criteria provided, single submitter. Criteria: Ambry Variant Classification Scheme 2023. Collection method: clinical testing. Allele origin: germline.

GeneDx
Classification: Uncertain significance. Last evaluated: 2023-10-31. Review status: criteria provided, single submitter. Criteria: GeneDx Variant Classification Process June 2021. Collection method: clinical testing. Allele origin: germline. Affected: yes.
Comment: In silico analysis supports that this missense variant does not alter protein structure/function; Observed in an individual with colorectal cancer in published literature (PMID: 33359728); This variant is associated with the following publications: (PMID: 15735151, 33359728)

Quest Diagnostics Nichols Institute San Juan Capistrano
Classification: Likely benign. Last evaluated: 2022-09-15. Review status: criteria provided, single submitter. Criteria: Quest Diagnostics criteria. Collection method: clinical testing. Allele origin: unknown.

Sema4
Classification: Uncertain significance for Hereditary cancer-predisposing syndrome. Last evaluated: 2021-10-29. Review status: criteria provided, single submitter. Criteria: Sema4 Curation Guidelines. Collection method: curation. Allele origin: germline.
Comment: The AXIN2 c.2012G>C (p.R671P) variant has been reported in heterozygosity in at least one individual with colorectal cancer (PMID: 33359728). It was observed in 23/34214 chromosomes in the Latino population, with no homozygotes, according to the Genome Aggregation Database (PMID: 32461654). This variant has been reported in ClinVar (Variation ID: 240006). Functional studies have not been performed, and in silico predictions of the variant's effect on protein function are inconclusive. Based on the current evidence available, this variant is interpreted as a variant of uncertain significance.

Baylor Genetics
Classification: Uncertain significance for Oligodontia-cancer predisposition syndrome. Last evaluated: 2020-04-10. Review status: criteria provided, single submitter. Criteria: ACMG Guidelines, 2015. Collection method: clinical testing. Allele origin: unknown. Affected: yes. Study: CSER-TexasKidsCanSeq.
Comment: This variant was determined to be of uncertain significance according to ACMG Guidelines, 2015 [PMID:25741868].

Literature cited by the submitters: PubMed 33359728 (cited by 4 submitters).

NM_004655.4(AXIN2):c.2012G>C (p.Arg671Pro)

Gene: AXIN2 (axin 2; minus strand). Cytogenetic location: 17q24.1.
Variant type: single nucleotide variant.
Coding change: c.2012G>C on transcript NM_004655.4 (MANE Select); coding-DNA position 2012, G replaced by C.
Protein change: p.Arg671Pro; replaces arginine 671 with proline.
Molecular consequence: missense variant.
Genome position (GRCh38, 1-based): chr17:65,536,449, C>G on the plus strand (G>C on the coding strand, the complement: AXIN2 is on the minus strand). VCF-style: chr17-65536449-C-G. GRCh37 (hg19) VCF-style: chr17-63532567-C-G.
Other names: c.1817G>C, p.Arg606Pro (NM_001363813.1); c.2012G>C (LRG_296t1); short protein forms R671P, R606P.
Identifiers: ClinVar variation 240006 (VCV000240006.23), dbSNP rs765845684, ClinGen allele CA8718429.